The following is an entry in ClinVar:

ClinVar aggregate classification (germline): Uncertain significance. Review status: criteria provided, multiple submitters, no conflicts (2 of 4 stars). 3 submissions from 3 submitters: Uncertain significance (3). Last evaluated 2024-12-22.

Conditions:
Inborn genetic diseases. Identifiers: MedGen C0950123, MeSH D030342.
Fanconi anemia (FA). Also called: Fanconi's anemia. Identifiers: Orphanet 84, MedGen C0015625, MeSH D005199, MONDO:0019391.

gnomAD v4.1: 1 of 1,611,636 alleles (0.000062%); highest among the groups gnomAD compares: Non-Finnish European, 0.000085%; no homozygotes.

Submissions (3):

Labcorp Genetics (formerly Invitae), Labcorp
Classification: Uncertain significance for Fanconi anemia. Last evaluated: 2024-12-22. Review status: criteria provided, single submitter. Criteria: Invitae Variant Classification Sherloc (09022015). Collection method: clinical testing. Allele origin: germline.
Comment: This sequence change replaces alanine, which is neutral and non-polar, with valine, which is neutral and non-polar, at codon 733 of the FANCA protein (p.Ala733Val). This variant is not present in population databases (gnomAD no frequency). This variant has not been reported in the literature in individuals affected with FANCA-related conditions. Invitae Evidence Modeling of protein sequence and biophysical properties (such as structural, functional, and spatial information, amino acid conservation, physicochemical variation, residue mobility, and thermodynamic stability) has been performed for this missense variant. However, the output from this modeling did not meet the statistical confidence thresholds required to predict the impact of this variant on FANCA protein function. In summary, the available evidence is currently insufficient to determine the role of this variant in disease. Therefore, it has been classified as a Variant of Uncertain Significance.

Ambry Genetics
Classification: Uncertain significance for Inborn genetic diseases. Last evaluated: 2024-12-14. Review status: criteria provided, single submitter. Criteria: Ambry Variant Classification Scheme 2023. Collection method: clinical testing. Allele origin: germline.
Comment: The p.A733V variant (also known as c.2198C>T), located in coding exon 24 of the FANCA gene, results from a C to T substitution at nucleotide position 2198. The alanine at codon 733 is replaced by valine, an amino acid with similar properties. This amino acid position is conserved. In addition, the in silico prediction for this alteration is inconclusive. Based on the available evidence, the clinical significance of this variant remains unclear.

Quest Diagnostics Nichols Institute San Juan Capistrano
Classification: Uncertain significance. Last evaluated: 2023-12-20. Review status: criteria provided, single submitter. Criteria: Quest Diagnostics criteria. Collection method: clinical testing. Allele origin: unknown.
Comment: The FANCA c.2198C>T (p.Ala733Val) variant has not been reported in individuals with FANCA-related conditions in the published literature. It also has not been reported in large, multi-ethnic general populations (Genome Aggregation Database). Analysis of this variant using bioinformatics tools for the prediction of the effect of amino acid changes on protein structure and function yielded predictions that this variant is benign. Based on the available information, we are unable to determine the clinical significance of this variant.

NM_000135.4(FANCA):c.2198C>T (p.Ala733Val)

Gene: FANCA (FA complementation group A; minus strand). Cytogenetic location: 16q24.3.
Variant type: single nucleotide variant.
Coding change: c.2198C>T on transcript NM_000135.4 (MANE Select); coding-DNA position 2198, C replaced by T.
Protein change: p.Ala733Val; replaces alanine 733 with valine.
Molecular consequence: missense variant.
Genome position (GRCh38, 1-based): chr16:89,770,588, G>A on the plus strand (C>T on the coding strand, the complement: FANCA is on the minus strand). VCF-style: chr16-89770588-G-A. GRCh37 (hg19) VCF-style: chr16-89836996-G-A.
Other names: c.2198C>T, p.Ala733Val (NM_001286167.3); short protein forms A733V.
Identifiers: ClinVar variation 3572389 (VCV003572389.4).